The following is an entry in ClinVar:

NM_001099922.3(ALG13):c.2570A>G (p.Asn857Ser)

Gene: ALG13 (ALG13 UDP-N-acetylglucosaminyltransferase subunit; plus strand). Cytogenetic location: Xq23.
Variant type: single nucleotide variant.
Coding change: c.2570A>G on transcript NM_001099922.3 (MANE Select); coding-DNA position 2570, A replaced by G.
Protein change: p.Asn857Ser; replaces asparagine 857 with serine.
Molecular consequence: missense variant. On other transcripts: non-coding transcript variant (1).
Genome position (GRCh38, 1-based): chrX:111,736,754, A>G. VCF-style: chrX-111736754-A-G. GRCh37 (hg19) VCF-style: chrX-110979982-A-G.
Other names: c.2258A>G, p.Asn753Ser (NM_001257230.2, NM_001257234.2, NM_001257237.2); c.2336A>G, p.Asn779Ser (NM_001257231.2); c.2570A>G, p.Asn857Ser (NM_001324292.2); c.2084A>G, p.Asn695Ser (NM_001324293.1); short protein forms N857S, N695S, N753S, N779S.
Identifiers: ClinVar variation 509101 (VCV000509101.13), dbSNP rs1556516921, ClinGen allele CA414254383.

ClinVar aggregate classification (germline): Conflicting classifications of pathogenicity. Review status: criteria provided, conflicting classifications (1 of 4 stars). 3 submissions from 3 submitters: Uncertain significance (2); Likely benign (1). Last evaluated 2022-11-15.

Conditions:
Developmental and epileptic encephalopathy, 36 (DEE36). Also called: ALG13-CDG; Congenital disorder of glycosylation, type Is; Epileptic encephalopathy, early infantile, 36. Identifiers: Orphanet 324422, MedGen C4317295, MONDO:0010472, OMIM 300884.

Allele frequency attached by ClinVar (database versions not stated): gnomAD exomes below 0.00001.
gnomAD v4.1: 2 of 1,210,833 alleles (0.00017%); highest among the groups gnomAD compares: African/African-American, 0.0017%; no homozygotes.

Submissions (3):

Labcorp Genetics (formerly Invitae), Labcorp
Classification: Uncertain significance for Developmental and epileptic encephalopathy, 36. Last evaluated: 2022-11-15. Review status: criteria provided, single submitter. Criteria: Invitae Variant Classification Sherloc (09022015). Collection method: clinical testing. Allele origin: germline.
Comment: This sequence change replaces asparagine, which is neutral and polar, with serine, which is neutral and polar, at codon 857 of the ALG13 protein (p.Asn857Ser). In summary, the available evidence is currently insufficient to determine the role of this variant in disease. Therefore, it has been classified as a Variant of Uncertain Significance. Advanced modeling of protein sequence and biophysical properties (such as structural, functional, and spatial information, amino acid conservation, physicochemical variation, residue mobility, and thermodynamic stability) performed at Invitae indicates that this missense variant is not expected to disrupt ALG13 protein function. ClinVar contains an entry for this variant (Variation ID: 509101). This variant has not been reported in the literature in individuals affected with ALG13-related conditions. This variant is not present in population databases (gnomAD no frequency).

Revvity Omics, Revvity
Classification: Uncertain significance for Developmental and epileptic encephalopathy, 36. Last evaluated: 2021-10-27. Review status: criteria provided, single submitter. Criteria: ACMG Guidelines, 2015. Collection method: clinical testing. Allele origin: germline.

GeneDx
Classification: Likely benign. Last evaluated: 2017-05-03. Review status: criteria provided, single submitter. Criteria: GeneDx Variant Classification (06012015). Collection method: clinical testing. Allele origin: germline. Affected: yes.
Comment: This variant is considered likely benign or benign based on one or more of the following criteria: it is a conservative change, it occurs at a poorly conserved position in the protein, it is predicted to be benign by multiple in silico algorithms, and/or has population frequency not consistent with disease.